The following is an entry in ClinVar:

ClinVar aggregate classification (germline): Uncertain significance. Review status: criteria provided, multiple submitters, no conflicts (2 of 4 stars). 2 submissions from 2 submitters: Uncertain significance (2). Last evaluated 2025-12-21.

Conditions:
Myofibromatosis, infantile, 1. Also called: Myofibromatosis, juvenile. Identifiers: Orphanet 2591, MedGen C4551572, MONDO:0009227, OMIM 228550.
Skeletal overgrowth-craniofacial dysmorphism-hyperelastic skin-white matter lesions syndrome. Also called: SKELETAL OVERGROWTH WITH FACIAL DYSMORPHISM, HYPERELASTIC SKIN, WHITE MATTER LESIONS, AND NEUROLOGIC DETERIORATION; Kosaki overgrowth syndrome. Identifiers: Orphanet 477831, MedGen C4225270, MONDO:0014704, OMIM 616592.
Inborn genetic diseases. Identifiers: MedGen C0950123, MeSH D030342.

gnomAD v4.1: 34 of 1,590,114 alleles (0.0021%); highest among the groups gnomAD compares: Admixed American, 0.012%; no homozygotes.

Submissions (2):

Clinical Genomics Laboratory, Washington University in St. Louis
Classification: Uncertain significance for Skeletal overgrowth-craniofacial dysmorphism-hyperelastic skin-white matter lesions syndrome; Myofibromatosis, infantile, 1. Last evaluated: 2025-12-21. Review status: criteria provided, single submitter. Criteria: ACMG Guidelines, 2015. Collection method: clinical testing. Allele origin: germline.
Comment: A PDGFRB c.113C>T (p.Pro38Leu) variant was identified at a near-heterozygous allelic fraction of 47.1%, a frequency that may be consistent with it being of germline origin. This variant, to our knowledge, has not been reported in the medical literature. It has been reported in the ClinVar database as a germline variant of uncertain significance by one submitter (Variation ID: 3930239). This variant is observed on 34/1,590,114 alleles in the general population (gnomAD v4.1.0). Computational predictors suggest that the variant does not impact PDGFRB function. Due to limited information, and based on ACMG/AMP guidelines for variant interpretation (Richards S et al., PMID: 25741868), the clinical significance of this variant is uncertain at this time.

Ambry Genetics
Classification: Uncertain significance for Inborn genetic diseases. Last evaluated: 2025-05-03. Review status: criteria provided, single submitter. Criteria: Ambry Variant Classification Scheme 2023. Collection method: clinical testing. Allele origin: germline.

Literature cited by the submitters: uncertain (cited by Clinical Genomics Laboratory, Washington University in St. Louis).

NM_002609.4(PDGFRB):c.113C>T (p.Pro38Leu)

Gene: PDGFRB (platelet derived growth factor receptor beta; minus strand). Cytogenetic location: 5q32.
Variant type: single nucleotide variant.
Coding change: c.113C>T on transcript NM_002609.4 (MANE Select); coding-DNA position 113, C replaced by T.
Protein change: p.Pro38Leu; replaces proline 38 with leucine.
Molecular consequence: missense variant. On other transcripts: 5 prime UTR variant (2).
Genome position (GRCh38, 1-based): chr5:150,135,806, G>A on the plus strand (C>T on the coding strand, the complement: PDGFRB is on the minus strand). VCF-style: chr5-150135806-G-A. GRCh37 (hg19) VCF-style: chr5-149515369-G-A.
Other names: c.-80C>T (NM_001355016.2); c.-405C>T (NM_001355017.2); short protein forms P38L.
Identifiers: ClinVar variation 3930239 (VCV003930239.2).